The following is an entry in ClinVar:

NM_007294.4(BRCA1):c.2041A>C (p.Ser681Arg)

Gene: BRCA1 (BRCA1 DNA repair associated; minus strand). Cytogenetic location: 17q21.31.
Variant type: single nucleotide variant.
Coding change: c.2041A>C on transcript NM_007294.4 (MANE Select); coding-DNA position 2041, A replaced by C.
Protein change: p.Ser681Arg; replaces serine 681 with arginine.
Molecular consequence: missense variant. On other transcripts: intron variant (137).
Genome position (GRCh38, 1-based): chr17:43,093,490, T>G on the plus strand (A>C on the coding strand, the complement: BRCA1 is on the minus strand). VCF-style: chr17-43093490-T-G. GRCh37 (hg19) VCF-style: chr17-41245507-T-G.
Other names: c.1660A>C, p.Ser554Arg (NM_001407963.1, NM_001407959.1, NM_001407960.1); c.1897A>C, p.Ser633Arg (NM_001407964.1, NM_001407740.1, NM_001407741.1 and 20 more transcripts); c.1537A>C, p.Ser513Arg (NM_001407965.1); c.1153A>C, p.Ser385Arg (NM_001407966.1, NM_001407967.1); c.1900A>C, p.Ser634Arg (NM_007297.4, NM_001407692.1, NM_001407694.1 and 29 more transcripts); c.2041A>C, p.Ser681Arg (NM_007300.4, NM_001407581.1, NM_001407582.1 and 30 more transcripts); c.283+1254A>C (NM_001408512.1); c.646+1254A>C (NM_001408458.1, NM_001408469.1, NM_001408453.1 and 11 more transcripts); and 40 more; short protein forms S569R, S611R, S634R, S639R, S655R, S513R, S553R, S570R.
Identifiers: ClinVar variation 3634675 (VCV003634675.2).
Genomic context (GRCh38, chr17:43,093,490, plus strand): 5'-TCAGCTCTGGGAAAGTATCGCTGTCATGTCTTTTACTTGTCTGTTCATTTGGCTTGTTAC[T>G]CTTCTTGGCTCCAGTTGCAGGTTCTTTACCTTCCATGAGTTGTAGGTTTCTGCTGTGCCT-3'
Protein context (NP_009225.1, residues 671-691): GKEPATGAKK[Ser681Arg]NKPNEQTSKR

ClinVar aggregate classification (germline): Uncertain significance (1 of 4 stars; one submission).

Conditions:
Hereditary breast ovarian cancer syndrome. Also called: Hereditary breast and ovarian cancer syndrome; Hereditary breast and ovarian cancer syndrome (HBOC); BRCA1- and BRCA2-Associated Hereditary Breast and Ovarian Cancer; Hereditary breast and ovarian cancer; Breast and ovarian cancer; Hereditary breast and/or ovarian cancer syndrome. Identifiers: Orphanet 145, MedGen C0677776, MeSH D061325, MONDO:0003582. Disease mechanism: loss of function.

Submission:

Labcorp Genetics (formerly Invitae), Labcorp
Classification: Uncertain significance for Hereditary breast ovarian cancer syndrome. Last evaluated: 2025-01-22. Review status: criteria provided, single submitter. Criteria: Invitae Variant Classification Sherloc (09022015). Collection method: clinical testing. Allele origin: germline.
Comment: This sequence change replaces serine, which is neutral and polar, with arginine, which is basic and polar, at codon 681 of the BRCA1 protein (p.Ser681Arg). This variant is not present in population databases (gnomAD no frequency). This variant has not been reported in the literature in individuals affected with BRCA1-related conditions. Invitae Evidence Modeling of protein sequence and biophysical properties (such as structural, functional, and spatial information, amino acid conservation, physicochemical variation, residue mobility, and thermodynamic stability) indicates that this missense variant is not expected to disrupt BRCA1 protein function with a negative predictive value of 80%. In summary, the available evidence is currently insufficient to determine the role of this variant in disease. Therefore, it has been classified as a Variant of Uncertain Significance.